The following is an entry in ClinVar:

NM_001199753.2(CPT1C):c.2396C>T (p.Thr799Ile)

Gene: CPT1C (carnitine palmitoyltransferase 1C; plus strand). Cytogenetic location: 19q13.33.
Variant type: single nucleotide variant.
Coding change: c.2396C>T on transcript NM_001199753.2 (MANE Select); coding-DNA position 2396, C replaced by T.
Protein change: p.Thr799Ile; replaces threonine 799 with isoleucine.
Molecular consequence: missense variant. On other transcripts: non-coding transcript variant (1).
Genome position (GRCh38, 1-based): chr19:49,713,589, C>T. VCF-style: chr19-49713589-C-T. GRCh37 (hg19) VCF-style: chr19-50216846-C-T.
Other names: c.2363C>T, p.Thr788Ile (NM_001136052.3, NM_001378485.1); c.2396C>T, p.Thr799Ile (NM_001199752.3, NM_001378483.1, NM_001378484.1 and 1 more transcripts); c.2462C>T, p.Thr821Ile (NM_001378482.1); c.2261C>T, p.Thr754Ile (NM_001378486.1, NM_001378488.1); c.2228C>T, p.Thr743Ile (NM_001378487.1); short protein forms T743I, T754I, T788I, T799I, T821I.
Identifiers: ClinVar variation 3026048 (VCV003026048.24), dbSNP rs762616491, ClinGen allele CA9582512.

ClinVar aggregate classification (germline): Conflicting classifications of pathogenicity. Review status: criteria provided, conflicting classifications (1 of 4 stars). 2 submissions from 2 submitters: Uncertain significance (1); Likely benign (1). Last evaluated 2025-11-04.

Conditions:
Hereditary spastic paraplegia 73. Also called: Spastic paraplegia 73, autosomal dominant. Identifiers: Orphanet 444099, MedGen C5568981, MONDO:0014568, OMIM 616282.

Allele frequency attached by ClinVar (database versions not stated): ExAC 0.00001; gnomAD exomes 0.00001.
gnomAD v4.1: 8 of 1,610,734 alleles (0.0005%); highest among the groups gnomAD compares: South Asian, 0.0033%; no homozygotes.

Submissions (2):

Labcorp Genetics (formerly Invitae), Labcorp
Classification: Uncertain significance for Hereditary spastic paraplegia 73. Last evaluated: 2025-11-04. Review status: criteria provided, single submitter. Criteria: Invitae Variant Classification Sherloc (09022015). Collection method: clinical testing. Allele origin: germline.
Comment: This sequence change replaces threonine, which is neutral and polar, with isoleucine, which is neutral and non-polar, at codon 788 of the CPT1C protein (p.Thr788Ile). This variant is present in population databases (rs762616491, gnomAD 0.0009%). This variant has not been reported in the literature in individuals affected with CPT1C-related conditions. ClinVar contains an entry for this variant (Variation ID: 3026048). An algorithm developed to predict the effect of missense changes on protein structure and function (PolyPhen-2) suggests that this variant is likely to be tolerated. In summary, the available evidence is currently insufficient to determine the role of this variant in disease. Therefore, it has been classified as a Variant of Uncertain Significance.

CeGaT Center for Human Genetics Tuebingen
Classification: Likely benign. Last evaluated: 2024-01-01. Review status: criteria provided, single submitter. Criteria: CeGaT Center For Human Genetics Tuebingen Variant Classification Criteria Version 2. Collection method: clinical testing. Allele origin: germline. Affected: yes. Observed: 1 variant allele.
Comment: CPT1C: BP4